The following is an entry in ClinVar:

ClinVar aggregate classification (germline): Uncertain significance. Review status: criteria provided, multiple submitters, no conflicts (2 of 4 stars). 2 submissions from 2 submitters: Uncertain significance (2). Last evaluated 2024-10-10.

Conditions:
Long QT syndrome (LQTS). Identifiers: MedGen C0023976, MeSH D008133, MONDO:0002442. Disease mechanism: loss of function. Inheritance: Various modes of inheritance.

Allele frequency attached by ClinVar (database versions not stated): gnomAD 0.00001; TOPMed 0.00001.
gnomAD v4.1: 8 of 1,603,040 alleles (0.0005%); highest among the groups gnomAD compares: East Asian, 0.0022%; no homozygotes.

Submissions (2):

Labcorp Genetics (formerly Invitae), Labcorp
Classification: Uncertain significance for Long QT syndrome. Last evaluated: 2024-10-10. Review status: criteria provided, single submitter. Criteria: Invitae Variant Classification Sherloc (09022015). Collection method: clinical testing. Allele origin: germline.
Comment: This sequence change replaces arginine, which is basic and polar, with tryptophan, which is neutral and slightly polar, at codon 1523 of the CACNA1C protein (p.Arg1523Trp). This variant is not present in population databases (gnomAD no frequency). This variant has not been reported in the literature in individuals affected with CACNA1C-related conditions. ClinVar contains an entry for this variant (Variation ID: 2179995). Invitae Evidence Modeling of protein sequence and biophysical properties (such as structural, functional, and spatial information, amino acid conservation, physicochemical variation, residue mobility, and thermodynamic stability) indicates that this missense variant is expected to disrupt CACNA1C protein function with a positive predictive value of 95%. In summary, the available evidence is currently insufficient to determine the role of this variant in disease. Therefore, it has been classified as a Variant of Uncertain Significance.

GeneDx
Classification: Uncertain significance. Last evaluated: 2024-09-09. Review status: criteria provided, single submitter. Criteria: GeneDx Variant Classification Process June 2021. Collection method: clinical testing. Allele origin: germline.
Comment: Not observed at significant frequency in large population cohorts (gnomAD); In silico analysis supports that this missense variant has a deleterious effect on protein structure/function; Has not been previously published as pathogenic or benign to our knowledge

NM_000719.7(CACNA1C):c.4567C>T (p.Arg1523Trp)

Gene: CACNA1C (calcium voltage-gated channel subunit alpha1 C; plus strand). Cytogenetic location: 12p13.33.
Variant type: single nucleotide variant.
Coding change: c.4567C>T on transcript NM_000719.7 (MANE Select); coding-DNA position 4567, C replaced by T.
Protein change: p.Arg1523Trp; replaces arginine 1523 with tryptophan.
Molecular consequence: missense variant.
Genome position (GRCh38, 1-based): chr12:2,666,726, C>T. VCF-style: chr12-2666726-C-T. GRCh37 (hg19) VCF-style: chr12-2775892-C-T.
Other names: c.4711C>T, p.Arg1571Trp (NM_001129827.2, NM_199460.4); c.4633C>T, p.Arg1545Trp (NM_001129829.2); c.4567C>T, p.Arg1523Trp (NM_001129830.3, NM_001129833.2, NM_001129834.2 and 7 more transcripts); c.4651C>T, p.Arg1551Trp (NM_001129831.2); c.4627C>T, p.Arg1543Trp (NM_001129832.2); c.4618C>T, p.Arg1540Trp (NM_001129836.2); c.4534C>T, p.Arg1512Trp (NM_001129837.2, NM_001129838.2, NM_001129846.2 and 1 more transcripts); c.4528C>T, p.Arg1510Trp (NM_001129839.2); and 1 more; short protein forms R1523W, R1540W, R1571W, R1512W, R1551W, R1510W, R1520W, R1543W.
Identifiers: ClinVar variation 2179995 (VCV002179995.6), dbSNP rs1305894712, ClinGen allele CA383376493.